The following is an entry in ClinVar:

ClinVar aggregate classification (germline): Uncertain significance. Review status: criteria provided, multiple submitters, no conflicts (2 of 4 stars). 2 submissions from 2 submitters: Uncertain significance (2). Last evaluated 2025-01-30.

Conditions:
Hereditary cancer-predisposing syndrome. Also called: Neoplastic Syndromes, Hereditary; Hereditary neoplastic syndrome; Hereditary Cancer Syndrome; Tumor predisposition. Identifiers: Orphanet 140162, MedGen C0027672, MeSH D009386, MONDO:0015356.
Peutz-Jeghers syndrome (PJS). Also called: Peutz-Jeghers polyposis; Periorificial lentiginosis syndrome; POLYPOSIS, HAMARTOMATOUS INTESTINAL; POLYPS-AND-SPOTS SYNDROME. Identifiers: Orphanet 2869, MedGen C0031269, MeSH D010580, MONDO:0008280, OMIM 175200.

gnomAD v4.1: 1 of 1,609,382 alleles (0.000062%); no homozygotes.

Submissions (2):

Ambry Genetics
Classification: Uncertain significance for Hereditary cancer-predisposing syndrome. Last evaluated: 2025-01-30. Review status: criteria provided, single submitter. Criteria: Ambry Variant Classification Scheme 2023. Collection method: clinical testing. Allele origin: germline.
Comment: The p.A241V variant (also known as c.722C>T), located in coding exon 5 of the STK11 gene, results from a C to T substitution at nucleotide position 722. The alanine at codon 241 is replaced by valine, an amino acid with similar properties. This variant was detected in a cohort of 663 patients meeting NCCN criteria for hereditary breast/ovarian cancer (Chrysafi P et al. Cancers (Basel), 2023 Dec;15). This amino acid position is highly conserved in available vertebrate species. In addition, the in silico prediction for this alteration is inconclusive. Based on the available evidence, the clinical significance of this variant remains unclear.

Labcorp Genetics (formerly Invitae), Labcorp
Classification: Uncertain significance for Peutz-Jeghers syndrome. Last evaluated: 2024-03-23. Review status: criteria provided, single submitter. Criteria: Invitae Variant Classification Sherloc (09022015). Collection method: clinical testing. Allele origin: germline.
Comment: This sequence change replaces alanine, which is neutral and non-polar, with valine, which is neutral and non-polar, at codon 241 of the STK11 protein (p.Ala241Val). This variant is not present in population databases (gnomAD no frequency). This variant has not been reported in the literature in individuals affected with STK11-related conditions. ClinVar contains an entry for this variant (Variation ID: 948751). Advanced modeling of protein sequence and biophysical properties (such as structural, functional, and spatial information, amino acid conservation, physicochemical variation, residue mobility, and thermodynamic stability) has been performed at Invitae for this missense variant, however the output from this modeling did not meet the statistical confidence thresholds required to predict the impact of this variant on STK11 protein function. Algorithms developed to predict the effect of sequence changes on RNA splicing suggest that this variant may create or strengthen a splice site. In summary, the available evidence is currently insufficient to determine the role of this variant in disease. Therefore, it has been classified as a Variant of Uncertain Significance.

Literature cited by the submitters: PubMed 38136308 (cited by Ambry Genetics).

NM_000455.5(STK11):c.722C>T (p.Ala241Val)

Gene: STK11 (serine/threonine kinase 11; plus strand). Cytogenetic location: 19p13.3.
Variant type: single nucleotide variant.
Coding change: c.722C>T on transcript NM_000455.5 (MANE Select); coding-DNA position 722, C replaced by T.
Protein change: p.Ala241Val; replaces alanine 241 with valine.
Molecular consequence: missense variant.
Genome position (GRCh38, 1-based): chr19:1,220,705, C>T. VCF-style: chr19-1220705-C-T. GRCh37 (hg19) VCF-style: chr19-1220704-C-T.
Other names: short protein forms A241V.
Identifiers: ClinVar variation 948751 (VCV000948751.10), dbSNP rs2080777192, ClinGen allele CA402949957.
Genomic context (GRCh38, chr19:1,220,705, plus strand): 5'-CGCCCGAGATTGCCAACGGCCTGGACACCTTCTCCGGCTTCAAGGTGGACATCTGGTCGG[C>T]TGGGGTCACCCTGTAAGTGCCCCGCCCCCCCGGGCACTCACCACACGCACACTCCGAGGG-3'
Protein context (NP_000446.1, residues 231-251): FSGFKVDIWS[Ala241Val]GVTLYNITTG